The following is an entry in ClinVar:

ClinVar aggregate classification (germline): Pathogenic. Review status: criteria provided, multiple submitters, no conflicts (2 of 4 stars). 2 submissions from 2 submitters: Pathogenic (2). Last evaluated 2023-07-27.

Conditions:
Leigh syndrome (NULS). Also called: LEIGH SYNDROME, NUCLEAR; Leigh's syndrome; Leigh Disease; Leigh's necrotizing encephalopathy; Leigh's disease; Subacute necrotizing encephalopathy. Identifiers: Orphanet 506, MedGen C2931891, MONDO:0009723, OMIM 256000.

Submissions (2):

Women's Health and Genetics/Laboratory Corporation of America, LabCorp
Classification: Pathogenic for Leigh syndrome. Last evaluated: 2023-07-27. Review status: criteria provided, single submitter. Criteria: LabCorp Variant Classification Summary - May 2015. Collection method: clinical testing. Allele origin: germline.
Comment: Variant summary: NDUFAF2 c.130_131delCA (p.Gln44AsnfsX13) results in a premature termination codon, predicted to cause a truncation of the encoded protein or absence of the protein due to nonsense mediated decay, which are commonly known mechanisms for disease. Variants downstream of this position have been classified as pathogenic by our laboratory and in ClinVar. The variant was absent in 250812 control chromosomes (gnomAD). To our knowledge, no occurrence of c.130_131delCA in individuals affected with Leigh Syndrome and no experimental evidence demonstrating its impact on protein function have been reported. No submitters have cited clinical-significance assessments for this variant to ClinVar after 2014. Based on the evidence outlined above, the variant was classified as pathogenic.

Labcorp Genetics (formerly Invitae), Labcorp
Classification: Pathogenic. Last evaluated: 2022-12-20. Review status: criteria provided, single submitter. Criteria: Invitae Variant Classification Sherloc (09022015). Collection method: clinical testing. Allele origin: germline.
Comment: For these reasons, this variant has been classified as Pathogenic. ClinVar contains an entry for this variant (Variation ID: 984515). This variant has not been reported in the literature in individuals affected with NDUFAF2-related conditions. This variant is not present in population databases (gnomAD no frequency). This sequence change creates a premature translational stop signal (p.Gln44Asnfs*13) in the NDUFAF2 gene. It is expected to result in an absent or disrupted protein product. Loss-of-function variants in NDUFAF2 are known to be pathogenic (PMID: 18180188).

Literature cited by the submitters: PubMed 18180188 (cited by Labcorp Genetics (formerly Invitae), Labcorp).

NM_174889.5(NDUFAF2):c.130_131del (p.Gln44fs)

Gene: NDUFAF2 (NADH:ubiquinone oxidoreductase complex assembly factor 2; plus strand). Cytogenetic location: 5q12.1.
Variant type: Deletion.
Coding change: c.130_131del on transcript NM_174889.5 (MANE Select); coding-DNA positions 130 to 131, 2 bases deleted (CA; older notation c.130_131delCA).
Protein change: p.Gln44fs; shifts the reading frame from glutamine 44.
Molecular consequence: frameshift variant.
Genome position (GRCh38, 1-based): chr5:61,073,127-61,073,128, CA deleted; deleting any 2 consecutive bases within chr5:61,073,126-61,073,128 gives the same sequence; the c. name uses the placement nearest the transcript's 3' end. VCF-style (leftmost placement, unchanged base first): chr5-61073125-GAC-G. GRCh37 (hg19) VCF-style: chr5-60368952-GAC-G.
Other names: short protein forms Q44fs.
Identifiers: ClinVar variation 984515 (VCV000984515.6), dbSNP rs1752321639, ClinGen allele CA1139658861.